The following is an entry in ClinVar:

ClinVar aggregate classification (germline): Uncertain significance (1 of 4 stars; one submission).

Conditions:
Charcot-Marie-Tooth disease type 2. Also called: Charcot-Marie-Tooth type 2. Identifiers: Orphanet 64746, MedGen C0270914, MONDO:0018993.

Submission:

Labcorp Genetics (formerly Invitae), Labcorp
Classification: Uncertain significance for Charcot-Marie-Tooth disease type 2. Last evaluated: 2022-07-25. Review status: criteria provided, single submitter. Criteria: Invitae Variant Classification Sherloc (09022015). Collection method: clinical testing. Allele origin: germline.
Comment: This sequence change replaces aspartic acid, which is acidic and polar, with glutamic acid, which is acidic and polar, at codon 243 of the LMNA protein (p.Asp243Glu). This variant is not present in population databases (gnomAD no frequency). This variant has not been reported in the literature in individuals affected with LMNA-related conditions. ClinVar contains an entry for this variant (Variation ID: 565979). Algorithms developed to predict the effect of missense changes on protein structure and function are either unavailable or do not agree on the potential impact of this missense change (SIFT: "Deleterious"; PolyPhen-2: "Benign"; Align-GVGD: "Class C35"). In summary, the available evidence is currently insufficient to determine the role of this variant in disease. Therefore, it has been classified as a Variant of Uncertain Significance.

NM_170707.4(LMNA):c.729T>G (p.Asp243Glu)

Gene: LMNA (lamin A/C; plus strand). Cytogenetic location: 1q22.
Variant type: single nucleotide variant.
Coding change: c.729T>G on transcript NM_170707.4 (MANE Select); coding-DNA position 729, T replaced by G.
Protein change: p.Asp243Glu; replaces aspartic acid 243 with glutamic acid.
Molecular consequence: missense variant.
Genome position (GRCh38, 1-based): chr1:156,134,894, T>G. VCF-style: chr1-156134894-T-G. GRCh37 (hg19) VCF-style: chr1-156104685-T-G.
Other names: c.393T>G, p.Asp131Glu (NM_001257374.3); c.486T>G, p.Asp162Glu (NM_001282624.2); c.729T>G, p.Asp243Glu (NM_001282625.2, NM_001282626.2, NM_005572.4 and 1 more transcripts); short protein forms D243E, D131E, D162E.
Identifiers: ClinVar variation 565979 (VCV000565979.8), dbSNP rs753243743, ClinGen allele CA342817284.
Genomic context (GRCh38, chr1:156,134,894, plus strand): 5'-GACCCGACTGGTGGAGATTGACAATGGGAAGCAGCGTGAGTTTGAGAGCCGGCTGGCGGA[T>G]GCGCTGCAGGAACTGCGGGCCCAGCATGAGGACCAGGTGGAGCAGTATAAGAAGGAGCTG-3'
Protein context (NP_733821.1, residues 233-253): KQREFESRLA[Asp243Glu]ALQELRAQHE